The following is an entry in ClinVar:

NM_001375524.1(TRRAP):c.4086C>G (p.Leu1362=)

Gene: TRRAP (transformation/transcription domain associated protein; plus strand). Cytogenetic location: 7q22.1.
Variant type: single nucleotide variant.
Coding change: c.4086C>G on transcript NM_001375524.1 (MANE Select); coding-DNA position 4086, C replaced by G.
Protein change: p.Leu1362=; no amino-acid change (leucine 1362 retained).
Molecular consequence: synonymous variant.
Genome position (GRCh38, 1-based): chr7:98,935,650, C>G. VCF-style: chr7-98935650-C-G. GRCh37 (hg19) VCF-style: chr7-98533273-C-G.
Other names: c.4086C>G (NM_003496.3); c.4086C>G, p.Leu1362= (NM_001244580.2, NM_003496.4).
Identifiers: ClinVar variation 1909038 (VCV001909038.6), dbSNP rs200904574, ClinGen allele CA4360152.
Genomic context (GRCh38, chr7:98,935,650, plus strand): 5'-GTGTGAGGCTGAAGATTCAGCTTTAACAAAGCTGCCCTGTTATAAAAGCCTTCCGTCACT[C>G]GTACCTTTACGAATTGCGGCATTAAGTAAGTTAATGAAAATCTACGGGGTATAAAAGTGA-3'
Protein context (NP_001362453.1, residues 1352-1372): KLPCYKSLPS[Leu1362=]VPLRIAALNA

ClinVar aggregate classification (germline): Likely benign. Review status: criteria provided, multiple submitters, no conflicts (2 of 4 stars). 2 submissions from 2 submitters: Likely benign (2). Last evaluated 2026-05-15.

Conditions:
TRRAP-related disorder. Also called: TRRAP-related condition.

Allele frequency attached by ClinVar (database versions not stated): 1000 Genomes Project 30x 0.00016; 1000 Genomes Project 0.00020.
gnomAD v4.1: 15 of 1,599,316 alleles (0.00094%); highest among the groups gnomAD compares: Admixed American, 0.0017%; no homozygotes.

Submissions (2):

PreventionGenetics, part of Exact Sciences
Classification: Likely benign for TRRAP-related condition. Last evaluated: 2026-05-15. Review status: criteria provided, single submitter. Criteria: ACMG Guidelines, 2015. Collection method: clinical testing. Allele origin: germline.
Comment: This variant is classified as likely benign based on ACMG/AMP sequence variant interpretation guidelines (Richards et al. 2015 PMID: 25741868, with internal and published modifications).

Labcorp Genetics (formerly Invitae), Labcorp
Classification: Likely benign. Last evaluated: 2026-01-26. Review status: criteria provided, single submitter. Criteria: Invitae Variant Classification Sherloc (09022015). Collection method: clinical testing. Allele origin: germline.